The following is an entry in ClinVar:

NM_018089.3(ANKZF1):c.1507C>T (p.Arg503Ter)

Gene: ANKZF1 (ankyrin repeat and zinc finger peptidyl tRNA hydrolase 1; plus strand). Cytogenetic location: 2q35.
Variant type: single nucleotide variant.
Coding change: c.1507C>T on transcript NM_018089.3 (MANE Select); coding-DNA position 1507, C replaced by T.
Protein change: p.Arg503Ter; replaces arginine 503 with a stop codon.
Molecular consequence: nonsense.
Genome position (GRCh38, 1-based): chr2:219,235,128, C>T. VCF-style: chr2-219235128-C-T. GRCh37 (hg19) VCF-style: chr2-220099850-C-T.
Other names: c.1507C>T, p.Arg503Ter (NM_001042410.2); c.877C>T, p.Arg293Ter (NM_001282792.2); short protein forms R293*, R503*.
Identifiers: ClinVar variation 1365936 (VCV001365936.6), dbSNP rs372230672, ClinGen allele CA2121083.

ClinVar aggregate classification (germline): Uncertain significance (1 of 4 stars; one submission).

Allele frequency attached by ClinVar (database versions not stated): gnomAD 0.00002 and 0.00003; TOPMed 0.00002; ESP Exome Variant Server 0.00008; 1000 Genomes Project 30x 0.00016; 1000 Genomes Project 0.00020.
gnomAD v4.1: 38 of 1,614,196 alleles (0.0024%); highest among the groups gnomAD compares: African/African-American, 0.004%; no homozygotes.

Submission:

Labcorp Genetics (formerly Invitae), Labcorp
Classification: Uncertain significance. Last evaluated: 2022-04-25. Review status: criteria provided, single submitter. Criteria: Invitae Variant Classification Sherloc (09022015). Collection method: clinical testing. Allele origin: germline.
Comment: In summary, the available evidence is currently insufficient to determine the role of this variant in disease. Therefore, it has been classified as a Variant of Uncertain Significance. This variant has not been reported in the literature in individuals affected with ANKZF1-related conditions. This variant is present in population databases (rs372230672, gnomAD 0.01%). This sequence change creates a premature translational stop signal (p.Arg503*) in the ANKZF1 gene. It is expected to result in an absent or disrupted protein product. However, the current clinical and genetic evidence is not sufficient to establish whether loss-of-function variants in ANKZF1 cause disease.